The following is an entry in ClinVar:

ClinVar aggregate classification (germline): Uncertain significance (1 of 4 stars; one submission).

Conditions:
Cohen syndrome (COH1). Also called: PEPPER SYNDROME; Cutis verticis gyrata, retinitis pigmentosa, and sensorineural deafness. Identifiers: Orphanet 193, MedGen C0265223, MONDO:0008999, OMIM 216550.

Allele frequency attached by ClinVar (database versions not stated): gnomAD exomes 0.00001.
gnomAD v4.1: 4 of 1,613,436 alleles (0.00025%); highest among the groups gnomAD compares: Non-Finnish European, 0.00034%; no homozygotes.

Submission:

Labcorp Genetics (formerly Invitae), Labcorp
Classification: Uncertain significance for Cohen syndrome. Last evaluated: 2025-11-11. Review status: criteria provided, single submitter. Criteria: Invitae Variant Classification Sherloc (09022015). Collection method: clinical testing. Allele origin: germline.
Comment: This sequence change replaces asparagine, which is neutral and polar, with serine, which is neutral and polar, at codon 471 of the VPS13B protein (p.Asn471Ser). This variant is not present in population databases (gnomAD no frequency). This variant has not been reported in the literature in individuals affected with VPS13B-related conditions. ClinVar contains an entry for this variant (Variation ID: 1989843). Invitae Evidence Modeling of protein sequence and biophysical properties (such as structural, functional, and spatial information, amino acid conservation, physicochemical variation, residue mobility, and thermodynamic stability) indicates that this missense variant is expected to disrupt VPS13B protein function with a positive predictive value of 80%. In summary, the available evidence is currently insufficient to determine the role of this variant in disease. Therefore, it has been classified as a Variant of Uncertain Significance.

NM_152564.5(VPS13B):c.1412A>G (p.Asn471Ser)

Gene: VPS13B (vacuolar protein sorting 13 homolog B; plus strand). Cytogenetic location: 8q22.2.
Variant type: single nucleotide variant.
Coding change: c.1412A>G on transcript NM_152564.5 (MANE Select); coding-DNA position 1412, A replaced by G.
Protein change: p.Asn471Ser; replaces asparagine 471 with serine.
Molecular consequence: missense variant.
Genome position (GRCh38, 1-based): chr8:99,135,124, A>G. VCF-style: chr8-99135124-A-G. GRCh37 (hg19) VCF-style: chr8-100147352-A-G.
Other names: c.1412A>G, p.Asn471Ser (NM_015243.3, NM_017890.5); short protein forms N471S.
Identifiers: ClinVar variation 1989843 (VCV001989843.2), dbSNP rs1810007360, ClinGen allele CA371863044.